The following is an entry in ClinVar:

NM_030973.4(MED25):c.697G>A (p.Gly233Ser)

Gene: MED25 (mediator complex subunit 25; plus strand). Cytogenetic location: 19q13.33.
Variant type: single nucleotide variant.
Coding change: c.697G>A on transcript NM_030973.4 (MANE Select); coding-DNA position 697, G replaced by A.
Protein change: p.Gly233Ser; replaces glycine 233 with serine.
Molecular consequence: missense variant.
Genome position (GRCh38, 1-based): chr19:49,830,096, G>A. VCF-style: chr19-49830096-G-A. GRCh37 (hg19) VCF-style: chr19-50333353-G-A.
Other names: c.697G>A (NM_030973.3); c.697G>A, p.Gly233Ser (NM_001378355.1); short protein forms G233S.
Identifiers: ClinVar variation 1472087 (VCV001472087.4), dbSNP rs778397363, ClinGen allele CA9584990.

ClinVar aggregate classification (germline): Uncertain significance. Review status: criteria provided, multiple submitters, no conflicts (2 of 4 stars). 2 submissions from 2 submitters: Uncertain significance (2). Last evaluated 2024-01-04.

Conditions:
Charcot-Marie-Tooth disease type 2. Also called: Charcot-Marie-Tooth type 2. Identifiers: Orphanet 64746, MedGen C0270914, MONDO:0018993.
Inborn genetic diseases. Identifiers: MedGen C0950123, MeSH D030342.

Allele frequency attached by ClinVar (database versions not stated): gnomAD 0.00002 and 0.00003; ExAC 0.00002; gnomAD exomes 0.00001 and 0.00002.
gnomAD v4.1: 22 of 1,606,984 alleles (0.0014%); highest among the groups gnomAD compares: Middle Eastern, 0.033%; no homozygotes.

Submissions (2):

Ambry Genetics
Classification: Uncertain significance for Inborn genetic diseases. Last evaluated: 2024-01-04. Review status: criteria provided, single submitter. Criteria: Ambry Variant Classification Scheme 2023. Collection method: clinical testing. Allele origin: germline.

Labcorp Genetics (formerly Invitae), Labcorp
Classification: Uncertain significance for Charcot-Marie-Tooth disease type 2. Last evaluated: 2022-07-05. Review status: criteria provided, single submitter. Criteria: Invitae Variant Classification Sherloc (09022015). Collection method: clinical testing. Allele origin: germline.
Comment: This sequence change replaces glycine, which is neutral and non-polar, with serine, which is neutral and polar, at codon 233 of the MED25 protein (p.Gly233Ser). This variant is present in population databases (rs778397363, gnomAD 0.006%). This variant has not been reported in the literature in individuals affected with MED25-related conditions. ClinVar contains an entry for this variant (Variation ID: 1472087). Algorithms developed to predict the effect of missense changes on protein structure and function output the following: SIFT: "Tolerated"; PolyPhen-2: "Benign"; Align-GVGD: "Class C0". The serine amino acid residue is found in multiple mammalian species, which suggests that this missense change does not adversely affect protein function. In summary, the available evidence is currently insufficient to determine the role of this variant in disease. Therefore, it has been classified as a Variant of Uncertain Significance.